The following is an entry in ClinVar:

NM_182914.3(SYNE2):c.5098G>A (p.Val1700Met)

Gene: SYNE2 (spectrin repeat containing nuclear envelope protein 2; plus strand). Cytogenetic location: 14q23.2.
Variant type: single nucleotide variant.
Coding change: c.5098G>A on transcript NM_182914.3 (MANE Select); coding-DNA position 5098, G replaced by A.
Protein change: p.Val1700Met; replaces valine 1700 with methionine.
Molecular consequence: missense variant.
Genome position (GRCh38, 1-based): chr14:64,020,040, G>A. VCF-style: chr14-64020040-G-A. GRCh37 (hg19) VCF-style: chr14-64486758-G-A.
Other names: c.5098G>A, p.Val1700Met (NM_015180.6); short protein forms V1700M.
Identifiers: ClinVar variation 470976 (VCV000470976.9), dbSNP rs372345929, ClinGen allele CA7220399.

ClinVar aggregate classification (germline): Uncertain significance. Review status: criteria provided, multiple submitters, no conflicts (2 of 4 stars). 2 submissions from 2 submitters: Uncertain significance (2). Last evaluated 2024-08-07.

Conditions:
Emery-Dreifuss muscular dystrophy 5, autosomal dominant (EDMD5). Also called: EMERY-DREIFUSS MUSCULAR DYSTROPHY 5. Identifiers: Orphanet 261, MedGen C2751805, MONDO:0013072, OMIM 612999.

Allele frequency attached by ClinVar (database versions not stated): gnomAD exomes 0.00001; ExAC 0.00002; TOPMed 0.00002; gnomAD 0.00003; ESP Exome Variant Server 0.00009; 1000 Genomes Project 0.00020; 1000 Genomes Project 30x 0.00031.
gnomAD v4.1: 6 of 1,614,032 alleles (0.00037%); highest among the groups gnomAD compares: African/African-American, 0.0053%; no homozygotes.

Submissions (2):

Ambry Genetics
Classification: Uncertain significance. Last evaluated: 2024-08-07. Review status: criteria provided, single submitter. Criteria: Ambry Variant Classification Scheme 2023. Collection method: clinical testing. Allele origin: germline.

Labcorp Genetics (formerly Invitae), Labcorp
Classification: Uncertain significance for Emery-Dreifuss muscular dystrophy 5, autosomal dominant. Last evaluated: 2022-08-09. Review status: criteria provided, single submitter. Criteria: Invitae Variant Classification Sherloc (09022015). Collection method: clinical testing. Allele origin: germline.
Comment: ClinVar contains an entry for this variant (Variation ID: 470976). This variant has not been reported in the literature in individuals affected with SYNE2-related conditions. This sequence change replaces valine, which is neutral and non-polar, with methionine, which is neutral and non-polar, at codon 1700 of the SYNE2 protein (p.Val1700Met). This variant is present in population databases (rs372345929, gnomAD 0.01%). Algorithms developed to predict the effect of missense changes on protein structure and function output the following: SIFT: "Deleterious"; PolyPhen-2: "Possibly Damaging"; Align-GVGD: "Class C0". The methionine amino acid residue is found in multiple mammalian species, which suggests that this missense change does not adversely affect protein function. In summary, the available evidence is currently insufficient to determine the role of this variant in disease. Therefore, it has been classified as a Variant of Uncertain Significance.